The following is an entry in ClinVar:

ClinVar aggregate classification (germline): Pathogenic (1 of 4 stars; one submission).

Conditions:
Neuromuscular disease caused by qualitative or quantitative defects of dystrophin. Also called: Qualitative or quantitative defects of dystrophin. Identifiers: Orphanet 207085, MedGen C5679787, MONDO:0016147.

Submission:

Women's Health and Genetics/Laboratory Corporation of America, LabCorp
Classification: Pathogenic for Neuromuscular disease caused by qualitative or quantitative defects of dystrophin. Last evaluated: 2023-11-20. Review status: criteria provided, single submitter. Criteria: LabCorp Variant Classification Summary - May 2015. Collection method: clinical testing. Allele origin: germline.
Comment: Variant summary: The variant involves the duplication of exon 12 in the DMD gene. A presumed nomenclature of c.(1331+1_1332-1)_(1482+1_1483-1)dup has been designated for the purposes of this classification. It is assumed to be a tandem duplication in direct orientation (Richardson_GIM_2018, Newman_AJHG_2015). This Copy Number Variant (CNV) is expected to alter the reading frame and predicted to result in a truncation (p.Val495Phefs*3 in DOVE database) or absence of the encoded protein due to nonsense mediated decay (NMD). The variant was absent in 14523 control chromosomes (gnomAD, Structural Variants dataset). c.(1331+1_1332-1)_(1482+1_1483-1)dup has been reported in the literature in multiple individuals affected with Duchenne and Becker muscular dystrophies (White_2006, White_2002, van Spaendonck-Zwarts_2012, Ling_2020, Alghamdi_2021, Nallamilli_2021). These data indicate that the variant is very likely to be associated with disease. To our knowledge, no experimental evidence demonstrating an impact on protein function has been reported. The following publications have been ascertained in the context of this evaluation (PMID: 16917894, 12111668, 23349452, 31705731, 34595143, 33644936). One submitter has cited clinical-significance assessments for this variant to ClinVar after 2014 and has classified the variant as pathogenic. Based on the evidence outlined above, the variant was classified as pathogenic.

Literature cited by the submitters: PubMed 23349452; PubMed 16917894; PubMed 31705731; PubMed 12111668; PubMed 33644936; PubMed 34595143.

NC_000023.10:g.(32613994_32632419)_(32632571_32662248)dup

Gene: DMD (dystrophin; minus strand). Cytogenetic location: Xp21.1.
Variant type: Duplication.
Identifiers: ClinVar variation 2682182 (VCV002682182.1).